The following is an entry in ClinVar:

NM_000038.6(APC):c.496A>T (p.Thr166Ser)

Gene: APC (APC regulator of Wnt signaling pathway; plus strand). Cytogenetic location: 5q22.2.
Variant type: single nucleotide variant.
Coding change: c.496A>T on transcript NM_000038.6 (MANE Select); coding-DNA position 496, A replaced by T.
Protein change: p.Thr166Ser; replaces threonine 166 with serine.
Molecular consequence: missense variant. On other transcripts: 5 prime UTR variant (1).
Genome position (GRCh38, 1-based): chr5:112,775,702, A>T. VCF-style: chr5-112775702-A-T. GRCh37 (hg19) VCF-style: chr5-112111399-A-T.
Other names: c.496A>T, p.Thr166Ser (NM_001127510.3, NM_001354895.2, NM_001354896.2 and 2 more transcripts); c.526A>T, p.Thr176Ser (NM_001127511.3, NM_001354897.2, NM_001354902.2); c.421A>T, p.Thr141Ser (NM_001354898.2, NM_001354904.2); c.319A>T, p.Thr107Ser (NM_001354900.2, NM_001354901.2, NM_001354905.2); c.-540A>T (NM_001354906.2); short protein forms T176S, T166S, T141S, T107S.
Identifiers: ClinVar variation 573588 (VCV000573588.12), dbSNP rs889134189, ClinGen allele CA16022409.

ClinVar aggregate classification (germline): Uncertain significance (1 of 4 stars; one submission).

Conditions:
Familial adenomatous polyposis 1 (FAP1). Also called: POLYPOSIS, ADENOMATOUS INTESTINAL; FAMILIAL ADENOMATOUS POLYPOSIS 1, ATTENUATED. Identifiers: MedGen C2713442, MONDO:0021056, OMIM 175100. Disease mechanism: loss of function.

Submission:

Labcorp Genetics (formerly Invitae), Labcorp
Classification: Uncertain significance for Familial adenomatous polyposis 1. Last evaluated: 2019-06-12. Review status: criteria provided, single submitter. Criteria: Invitae Variant Classification Sherloc (09022015). Collection method: clinical testing. Allele origin: germline.
Comment: This variant is not present in population databases (ExAC no frequency). In summary, the available evidence is currently insufficient to determine the role of this variant in disease. Therefore, it has been classified as a Variant of Uncertain Significance. Algorithms developed to predict the effect of missense changes on protein structure and function are either unavailable or do not agree on the potential impact of this missense change (SIFT: "Deleterious"; PolyPhen-2: "Benign"; Align-GVGD: "Class C0"). This variant has not been reported in the literature in individuals with APC-related disease. This sequence change replaces threonine with serine at codon 166 of the APC protein (p.Thr166Ser). The threonine residue is highly conserved and there is a small physicochemical difference between threonine and serine.